The following is an entry in ClinVar:

ClinVar aggregate classification (germline): Uncertain significance (1 of 4 stars; one submission).

gnomAD v4.1: 1 of 1,598,336 alleles (0.000063%); highest among the groups gnomAD compares: Non-Finnish European, 0.000086%; no homozygotes.

Submission:

Labcorp Genetics (formerly Invitae), Labcorp
Classification: Uncertain significance. Last evaluated: 2025-03-05. Review status: criteria provided, single submitter. Criteria: Invitae Variant Classification Sherloc (09022015). Collection method: clinical testing. Allele origin: germline.
Comment: This sequence change falls in intron 10 of the NARS2 gene. It does not directly change the encoded amino acid sequence of the NARS2 protein. It affects a nucleotide within the consensus splice site. This variant is not present in population databases (gnomAD no frequency). This variant has not been reported in the literature in individuals affected with NARS2-related conditions. Variants that disrupt the consensus splice site are a relatively common cause of aberrant splicing (PMID: 17576681, 9536098). Algorithms developed to predict the effect of sequence changes on RNA splicing suggest that this variant may disrupt the consensus splice site. In summary, the available evidence is currently insufficient to determine the role of this variant in disease. Therefore, it has been classified as a Variant of Uncertain Significance.

Literature cited by the submitters: PubMed 17576681; PubMed 9536098.

NM_024678.6(NARS2):c.1026+3A>G

Gene: NARS2 (asparaginyl-tRNA synthetase 2, mitochondrial; minus strand). Cytogenetic location: 11q14.1.
Variant type: single nucleotide variant.
Coding change: c.1026+3A>G on transcript NM_024678.6 (MANE Select); 3 bases into the intron after coding-DNA position 1026, A replaced by G.
Molecular consequence: intron variant.
Genome position (GRCh38, 1-based): chr11:78,469,244, T>C on the plus strand (A>G on the coding strand, the complement: NARS2 is on the minus strand). VCF-style: chr11-78469244-T-C. GRCh37 (hg19) VCF-style: chr11-78180290-T-C.
Other names: c.345+3A>G (NM_001425314.1, NM_001243251.2, NM_001425310.1 and 2 more transcripts); c.795+3A>G (NM_001425308.1); c.945+3A>G (NM_001425303.1, NM_001425302.1); c.798+3A>G (NM_001425307.1); c.375+3A>G (NM_001425311.1); c.756+3A>G (NM_001425309.1); c.954+9194A>G (NM_001425306.1); c.955-3231A>G (NM_001425301.1); and 1 more.
Identifiers: ClinVar variation 4811932 (VCV004811932.1).